The following is an entry in ClinVar:

NM_002591.4(PCK1):c.12G>A (p.Gln4=)

Gene: PCK1 (phosphoenolpyruvate carboxykinase 1; plus strand). Cytogenetic location: 20q13.31.
Variant type: single nucleotide variant.
Coding change: c.12G>A on transcript NM_002591.4 (MANE Select); coding-DNA position 12, G replaced by A.
Protein change: p.Gln4=; no amino-acid change (glutamine 4 retained).
Molecular consequence: synonymous variant.
Genome position (GRCh38, 1-based): chr20:57,561,423, G>A. VCF-style: chr20-57561423-G-A. GRCh37 (hg19) VCF-style: chr20-56136479-G-A.
Identifiers: ClinVar variation 777600 (VCV000777600.14), dbSNP rs28383584, ClinGen allele CA9921869.
Genomic context (GRCh38, chr20:57,561,423, plus strand): 5'-CTATTTCAGGTGACCTCACATTCGTGCCCCTTAGCAGCACTCTGCAGAAATGCCTCCTCA[G>A]CTGCAAAACGGCCTGAACCTCTCGGCCAAAGTTGTCCAGGGAAGCCTGGACAGCCTACCC-3'
Protein context (NP_002582.3, residues 1-14): MPP[Gln4=]LQNGLNLSAK

ClinVar aggregate classification (germline): Benign. Review status: criteria provided, multiple submitters, no conflicts (2 of 4 stars). 3 submissions from 3 submitters: Benign (3). Last evaluated 2026-01-25.

Conditions:
Phosphoenolpyruvate carboxykinase deficiency, cytosolic (PCKDC). Also called: PCK1 DEFICIENCY, CYTOSOLIC; PEPCK DEFICIENCY, CYTOSOLIC. Identifiers: Orphanet 2880, MedGen C5574905, MONDO:0009866, OMIM 261680.

Allele frequency attached by ClinVar (database versions not stated): gnomAD exomes 0.00068 and 0.00165; ExAC 0.00205; 1000 Genomes Project 30x 0.00593; 1000 Genomes Project 0.00599; gnomAD 0.00634 and 0.00679; TOPMed 0.00705; ESP Exome Variant Server 0.00707.
gnomAD v4.1: 1,993 of 1,612,132 alleles (0.12%); highest among the groups gnomAD compares: African/African-American, 2.3%; 31 homozygotes.

Submissions (3):

Labcorp Genetics (formerly Invitae), Labcorp
Classification: Benign. Last evaluated: 2026-01-25. Review status: criteria provided, single submitter. Criteria: Invitae Variant Classification Sherloc (09022015). Collection method: clinical testing. Allele origin: germline.

Illumina Laboratory Services, Illumina
Classification: Benign for Phosphoenolpyruvate carboxykinase deficiency, cytosolic. Last evaluated: 2017-04-27. Review status: criteria provided, single submitter. Criteria: ICSL Variant Classification Criteria 13 December 2019. Collection method: clinical testing. Allele origin: germline.
Comment: This variant was observed as part of a predisposition screen in an ostensibly healthy population. A literature search was performed for the gene, cDNA change, and amino acid change (where applicable). No publications were found based on this search. Allele frequency data from public databases was too high to be consistent with this variant causing disease. Therefore, this variant is classified as benign.

Breakthrough Genomics
Classification: Benign. Review status: criteria provided, single submitter. Criteria: ACMG Guidelines, 2015. Collection method: not provided. Allele origin: germline. Inheritance: Autosomal recessive inheritance. Affected: yes.